The following is an entry in ClinVar:

ClinVar aggregate classification (germline): Uncertain significance. Review status: criteria provided, multiple submitters, no conflicts (2 of 4 stars). 2 submissions from 2 submitters: Uncertain significance (2). Last evaluated 2025-03-27.

Conditions:
Immunodeficiency 14 (IMD14A). Also called: p110-DELTA-ACTIVATING MUTATION CAUSING SENESCENT T CELLS, LYMPHADENOPATHY, AND IMMUNODEFICIENCY; ACTIVATED PI3K-DELTA SYNDROME 1; Activated PI3K Delta Syndrome Type 1 (APDS1); IMMUNODEFICIENCY 14A WITH LYMPHOPROLIFERATION, AUTOSOMAL DOMINANT. Identifiers: Orphanet 397596, Orphanet 693661, MedGen C5907821, MONDO:0014222, OMIM 615513.

gnomAD v4.1: 14 of 1,612,652 alleles (0.00087%); highest among the groups gnomAD compares: East Asian, 0.031%; no homozygotes.

Submissions (2):

Labcorp Genetics (formerly Invitae), Labcorp
Classification: Uncertain significance for Activated PI3K-delta syndrome. Last evaluated: 2025-03-27. Review status: criteria provided, single submitter. Criteria: Invitae Variant Classification Sherloc (09022015). Collection method: clinical testing. Allele origin: germline.
Comment: This sequence change replaces tryptophan, which is neutral and slightly polar, with arginine, which is basic and polar, at codon 178 of the PIK3CD protein (p.Trp178Arg). This variant is present in population databases (rs757809265, gnomAD 0.02%). This variant has not been reported in the literature in individuals affected with PIK3CD-related conditions. Invitae Evidence Modeling of protein sequence and biophysical properties (such as structural, functional, and spatial information, amino acid conservation, physicochemical variation, residue mobility, and thermodynamic stability) indicates that this missense variant is not expected to disrupt PIK3CD protein function with a negative predictive value of 80%. In summary, the available evidence is currently insufficient to determine the role of this variant in disease. Therefore, it has been classified as a Variant of Uncertain Significance.

Blueprint Genetics
Classification: Uncertain significance. Last evaluated: 2019-11-12. Review status: criteria provided, single submitter. Criteria: ACMG Guidelines, 2015. Collection method: clinical testing. Allele origin: germline.

NM_005026.5(PIK3CD):c.532T>C (p.Trp178Arg)

Gene: PIK3CD (phosphatidylinositol-4,5-bisphosphate 3-kinase catalytic subunit delta; plus strand). Cytogenetic location: 1p36.22.
Variant type: single nucleotide variant.
Coding change: c.532T>C on transcript NM_005026.5 (MANE Select); coding-DNA position 532, T replaced by C.
Protein change: p.Trp178Arg; replaces tryptophan 178 with arginine.
Molecular consequence: missense variant.
Genome position (GRCh38, 1-based): chr1:9,716,010, T>C. VCF-style: chr1-9716010-T-C. GRCh37 (hg19) VCF-style: chr1-9776068-T-C.
Other names: c.532T>C, p.Trp178Arg (NM_001350234.2, NM_001350235.1, NM_001437546.1 and 3 more transcripts); short protein forms W178R.
Identifiers: ClinVar variation 4694949 (VCV004694949.2).